The following is an entry in ClinVar:

NM_000360.4(TH):c.78del (p.Glu27fs)

Gene: TH (tyrosine hydroxylase; minus strand). Cytogenetic location: 11p15.5.
Variant type: Deletion.
Coding change: c.78del on transcript NM_000360.4 (MANE Select); coding-DNA position 78, one base deleted (A; older notation c.78delA).
Protein change: p.Glu27fs; shifts the reading frame from glutamic acid 27.
Molecular consequence: frameshift variant.
Genome position (GRCh38, 1-based): chr11:2,171,709, T deleted on the plus strand (A on the coding strand, the reverse complement: TH is on the minus strand). VCF-style (leftmost placement, unchanged base first): chr11-2171708-CT-C. GRCh37 (hg19) VCF-style: chr11-2192938-CT-C.
Other names: c.78del, p.Glu27fs (NM_199292.3, NM_199293.3); short protein forms E27fs.
Identifiers: ClinVar variation 946763 (VCV000946763.7), dbSNP rs1846263622, ClinGen allele CA1139661749.

ClinVar aggregate classification (germline): Pathogenic (1 of 4 stars; one submission).

Conditions:
TH-deficient dopa-responsive dystonia. Also called: Tyrosine Hydroxylase-Deficient Dopa-Responsive Dystonia; DYT-TH; Segawa syndrome, autosomal recessive. Identifiers: Orphanet 101150, MedGen C2673535, MONDO:0011551, OMIM 605407.

Submission:

Labcorp Genetics (formerly Invitae), Labcorp
Classification: Pathogenic for TH-deficient dopa-responsive dystonia. Last evaluated: 2019-07-25. Review status: criteria provided, single submitter. Criteria: Invitae Variant Classification Sherloc (09022015). Collection method: clinical testing. Allele origin: germline.
Comment: For these reasons, this variant has been classified as Pathogenic. Loss-of-function variants in TH are known to be pathogenic (PMID: 22264700, 24753243). This sequence change creates a premature translational stop signal (p.Glu27Argfs*5) in the TH gene. It is expected to result in an absent or disrupted protein product. This variant is not present in population databases (ExAC no frequency). This variant has not been reported in the literature in individuals with TH-related conditions.

Literature cited by the submitters: PubMed 22264700; PubMed 24753243.